The following is an entry in ClinVar:

NM_001148.6(ANK2):c.3263G>A (p.Arg1088Gln)

Gene: ANK2 (ankyrin 2; plus strand). Cytogenetic location: 4q26.
Variant type: single nucleotide variant.
Coding change: c.3263G>A on transcript NM_001148.6 (MANE Select); coding-DNA position 3263, G replaced by A.
Protein change: p.Arg1088Gln; replaces arginine 1088 with glutamine.
Molecular consequence: missense variant.
Genome position (GRCh38, 1-based): chr4:113,333,092, G>A. VCF-style: chr4-113333092-G-A. GRCh37 (hg19) VCF-style: chr4-114254248-G-A.
Other names: c.3236G>A, p.Arg1079Gln (NM_001127493.3); c.3275G>A, p.Arg1092Gln (NM_001354225.2); c.3164G>A, p.Arg1055Gln (NM_001354228.2, NM_001354258.2); c.3242G>A, p.Arg1081Gln (NM_001354230.2); c.3305G>A, p.Arg1102Gln (NM_001354231.2, NM_001354242.2); c.3299G>A, p.Arg1100Gln (NM_001354232.2); c.3260G>A, p.Arg1087Gln (NM_001354235.2, NM_001354246.2, NM_001354265.2); c.3161G>A, p.Arg1054Gln (NM_001354236.2); and 29 more; short protein forms R1001Q, R1013Q, R1055Q, R1078Q, R1083Q, R1092Q, R264Q, R993Q.
Identifiers: ClinVar variation 1429246 (VCV001429246.7), dbSNP rs1232729014, ClinGen allele CA357935972.

ClinVar aggregate classification (germline): Uncertain significance. Review status: criteria provided, multiple submitters, no conflicts (2 of 4 stars). 2 submissions from 2 submitters: Uncertain significance (2). Last evaluated 2024-12-20.

Conditions:
Long QT syndrome (LQTS). Identifiers: MedGen C0023976, MeSH D008133, MONDO:0002442. Disease mechanism: loss of function. Inheritance: Various modes of inheritance.
Cardiovascular phenotype. Identifiers: MedGen CN230736.

Allele frequency attached by ClinVar (database versions not stated): gnomAD exomes below 0.00001; gnomAD 0.00001; TOPMed 0.00001.
gnomAD v4.1: 7 of 1,614,018 alleles (0.00043%); highest among the groups gnomAD compares: South Asian, 0.0022%; no homozygotes.

Submissions (2):

Ambry Genetics
Classification: Uncertain significance for Cardiovascular phenotype. Last evaluated: 2024-12-20. Review status: criteria provided, single submitter. Criteria: Ambry Variant Classification Scheme 2023. Collection method: clinical testing. Allele origin: germline.
Comment: The p.R1088Q variant (also known as c.3263G>A), located in coding exon 29 of the ANK2 gene, results from a G to A substitution at nucleotide position 3263. The arginine at codon 1088 is replaced by glutamine, an amino acid with highly similar properties. This amino acid position is conserved. In addition, this alteration is predicted to be deleterious by in silico analysis. Based on the available evidence, the clinical significance of this variant remains unclear.

Labcorp Genetics (formerly Invitae), Labcorp
Classification: Uncertain significance for Long QT syndrome. Last evaluated: 2021-12-07. Review status: criteria provided, single submitter. Criteria: Invitae Variant Classification Sherloc (09022015). Collection method: clinical testing. Allele origin: germline.
Comment: This sequence change replaces arginine, which is basic and polar, with glutamine, which is neutral and polar, at codon 1088 of the ANK2 protein (p.Arg1088Gln). This variant is present in population databases (no rsID available, gnomAD 0.003%). This variant has not been reported in the literature in individuals affected with ANK2-related conditions. Algorithms developed to predict the effect of missense changes on protein structure and function are either unavailable or do not agree on the potential impact of this missense change (SIFT: "Deleterious"; PolyPhen-2: "Probably Damaging"; Align-GVGD: "Class C0"). In summary, the available evidence is currently insufficient to determine the role of this variant in disease. Therefore, it has been classified as a Variant of Uncertain Significance.